The following is an entry in ClinVar:

ClinVar aggregate classification (germline): Uncertain significance (1 of 4 stars; one submission).

gnomAD v4.1: 2 of 1,613,868 alleles (0.00012%); highest among the groups gnomAD compares: Middle Eastern, 0.016%; no homozygotes.

Submission:

GeneDx
Classification: Uncertain significance. Last evaluated: 2024-07-24. Review status: criteria provided, single submitter. Criteria: GeneDx Variant Classification Process June 2021. Collection method: clinical testing. Allele origin: germline. Affected: yes.
Comment: Not observed at significant frequency in large population cohorts (gnomAD); In silico analysis indicates that this missense variant does not alter protein structure/function; Has not been previously published as pathogenic or benign to our knowledge

NM_020779.4(WDR35):c.1376G>C (p.Arg459Pro)

Gene: WDR35 (WD repeat domain 35; minus strand). Cytogenetic location: 2p24.1.
Variant type: single nucleotide variant.
Coding change: c.1376G>C on transcript NM_020779.4 (MANE Select); coding-DNA position 1376, G replaced by C.
Protein change: p.Arg459Pro; replaces arginine 459 with proline.
Molecular consequence: missense variant.
Genome position (GRCh38, 1-based): chr2:19,953,858, C>G on the plus strand (G>C on the coding strand, the complement: WDR35 is on the minus strand). VCF-style: chr2-19953858-C-G. GRCh37 (hg19) VCF-style: chr2-20153619-C-G.
Other names: c.1409G>C, p.Arg470Pro (NM_001006657.2); short protein forms R459P, R470P.
Identifiers: ClinVar variation 3600785 (VCV003600785.1).